The following is an entry in ClinVar:

ClinVar aggregate classification (germline): Benign/Likely benign. Review status: criteria provided, multiple submitters, no conflicts (2 of 4 stars). 8 submissions from 8 submitters: Benign (5); Likely benign (3). Last evaluated 2026-10-01.

Conditions:
KBG syndrome (KBGS). Also called: ANKRD11-Related KBG Syndrome. Identifiers: Orphanet 2332, MedGen C0220687, MONDO:0007846, OMIM 148050.
Inborn genetic diseases. Identifiers: MedGen C0950123, MeSH D030342.

Allele frequency attached by ClinVar (database versions not stated): 1000 Genomes Project 30x 0.00031; 1000 Genomes Project 0.00040; TOPMed 0.00133; ExAC 0.00143; gnomAD exomes 0.00144 and 0.00183; ESP Exome Variant Server 0.00169; gnomAD 0.00170 and 0.00185.
gnomAD v4.1: 2,878 of 1,604,154 alleles (0.18%); highest among the groups gnomAD compares: Non-Finnish European, 0.22%; 8 homozygotes.

Submissions (11):

CeGaT Center for Human Genetics Tuebingen
Classification: Likely benign. Last evaluated: 2026-10-01. Review status: criteria provided, single submitter. Criteria: CeGaT Center For Human Genetics Tuebingen Variant Classification Criteria Version 2. Collection method: clinical testing. Allele origin: germline. Affected: yes. Observed: 31 variant alleles.
Comment: ANKRD11: BP4, BP7, BS1

Labcorp Genetics (formerly Invitae), Labcorp
Classification: Benign for KBG syndrome. Last evaluated: 2026-01-12. Review status: criteria provided, single submitter. Criteria: Invitae Variant Classification Sherloc (09022015). Collection method: clinical testing. Allele origin: germline.

Blueprint Genetics
Classification: Likely benign. Last evaluated: 2024-11-25. Review status: criteria provided, single submitter. Criteria: ACMG Guidelines, 2015. Collection method: clinical testing. Allele origin: germline.

ARUP Laboratories, Molecular Genetics and Genomics, ARUP Laboratories
Classification: Benign for KBG syndrome. Last evaluated: 2024-11-12. Review status: criteria provided, single submitter. Criteria: ARUP Molecular Germline Variant Investigation Process 2024. Collection method: clinical testing. Allele origin: germline.

Genome-Nilou Lab
Classification: Benign for KBG syndrome. Last evaluated: 2021-12-05. Review status: criteria provided, single submitter. Criteria: ACMG Guidelines, 2015. Collection method: clinical testing. Allele origin: germline. Affected: no.

GeneDx
Classification: Benign. Last evaluated: 2021-03-17. Review status: criteria provided, single submitter. Criteria: GeneDx Variant Classification Process June 2021. Collection method: clinical testing. Allele origin: germline. Affected: yes.

Ambry Genetics
Classification: Likely benign for Inborn genetic diseases. Last evaluated: 2017-09-21. Review status: criteria provided, single submitter. Criteria: Ambry Variant Classification Scheme 2023. Collection method: clinical testing. Allele origin: germline.

Genetic Services Laboratory, University of Chicago
Classification: Benign. Last evaluated: 2016-08-25. Review status: criteria provided, single submitter. Criteria: ACMG Guidelines, 2015. Collection method: clinical testing. Allele origin: germline. Affected: no.

Dr. Peter K. Rogan Lab, Western University
No classification provided (evidence only). Condition: Melanoma. Review status: no classification provided. Collection method: in vitro. Allele origin: not applicable. Functional consequence: skipped exon. Not counted in ClinVar's aggregate classification.

Dr. Peter K. Rogan Lab, Western University
No classification provided (evidence only). Condition: Colon adenocarcinoma. Review status: no classification provided. Collection method: in vitro. Allele origin: not applicable. Functional consequence: retained intron. Not counted in ClinVar's aggregate classification.

Dr. Peter K. Rogan Lab, Western University
No classification provided (evidence only). Condition: Uterine corpus endometrial carcinoma. Review status: no classification provided. Collection method: in vitro. Allele origin: not applicable. Functional consequence: retained intron. Not counted in ClinVar's aggregate classification.

NM_013275.6(ANKRD11):c.5661A>G (p.Gln1887=)

Gene: ANKRD11 (ankyrin repeat domain 11; minus strand). Cytogenetic location: 16q24.3.
Variant type: single nucleotide variant.
Coding change: c.5661A>G on transcript NM_013275.6 (MANE Select); coding-DNA position 5661, A replaced by G.
Protein change: p.Gln1887=; no amino-acid change (glutamine 1887 retained).
Molecular consequence: synonymous variant.
Genome position (GRCh38, 1-based): chr16:89,280,881, T>C on the plus strand (A>G on the coding strand, the complement: ANKRD11 is on the minus strand). VCF-style: chr16-89280881-T-C. GRCh37 (hg19) VCF-style: chr16-89347289-T-C.
Other names: c.5661A>G, p.Gln1887= (NM_001256182.2, NM_001256183.2); c.5661A>G (NM_013275.4).
Identifiers: ClinVar variation 210180 (VCV000210180.53), dbSNP rs147726863, ClinGen allele CA206897.
Genomic context (GRCh38, chr16:89,280,881, plus strand): 5'-AAGGGCCCCTTCGAGGGAAGGAACCAGCAGCTCGGCTCTGGGGGAAGGGGAAGGTTTTGC[T>C]TGTAAACTTGAGAAGACGCCCTCTGGAGACGGGGTGACAGTGACAACGGCAGCCGGTGGG-3'
Protein context (NP_037407.4, residues 1877-1897): PSPEGVFSSL[Gln1887=]AKPSPSPRAE